The following is an entry in ClinVar:

NM_000289.6(PFKM):c.140G>A (p.Arg47His)

Gene: PFKM (phosphofructokinase, muscle; plus strand). Cytogenetic location: 12q13.11.
Variant type: single nucleotide variant.
Coding change: c.140G>A on transcript NM_000289.6 (MANE Select); coding-DNA position 140, G replaced by A.
Protein change: p.Arg47His; replaces arginine 47 with histidine.
Molecular consequence: missense variant. On other transcripts: non-coding transcript variant (4), intron variant (2).
Genome position (GRCh38, 1-based): chr12:48,130,417, G>A. VCF-style: chr12-48130417-G-A. GRCh37 (hg19) VCF-style: chr12-48524200-G-A.
Other names: c.353G>A, p.Arg118His (NM_001166686.2, NM_001354737.1, NM_001354738.1 and 1 more transcripts); c.140G>A, p.Arg47His (NM_001166687.2, NM_001166688.2, NM_001354742.2 and 4 more transcripts); c.449G>A, p.Arg150His (NM_001354735.1, NM_001354736.1); c.284G>A, p.Arg95His (NM_001354740.1); c.164G>A, p.Arg55His (NM_001354741.2); c.53G>A, p.Arg18His (NM_001354745.2); c.10-899G>A (NM_001354747.2, NM_001354748.2); short protein forms R18H, R47H, R95H, R118H, R150H, R55H.
Identifiers: ClinVar variation 838536 (VCV000838536.6), dbSNP rs748718049, ClinGen allele CA6536895.
Genomic context (GRCh38, chr12:48,130,417, plus strand): 5'-TTTCAGGTATGAATGCTGCTGTCAGGGCTGTGGTTCGAGTTGGTATCTTCACCGGTGCCC[G>A]TGTCTTCTTTGTCCATGAGGTTGGTTCTGTACTTTGTTCTTCATCATTCTTTCTCTGTCT-3'
Protein context (NP_000280.1, residues 37-57): VVRVGIFTGA[Arg47His]VFFVHEGYQG

ClinVar aggregate classification (germline): Uncertain significance. Review status: criteria provided, multiple submitters, no conflicts (2 of 4 stars). 3 submissions from 3 submitters: Uncertain significance (2). 1 of the submissions does not count toward it. Last evaluated 2022-07-17.

Conditions:
Glycogen storage disease, type VII (GSD7). Also called: PFKM DEFICIENCY; TARUI DISEASE; GSD VII; MUSCLE PHOSPHOFRUCTOKINASE DEFICIENCY. Identifiers: Orphanet 371, MedGen C0017926, MONDO:0009295, OMIM 232800.

Allele frequency attached by ClinVar (database versions not stated): ExAC 0.00001; gnomAD exomes 0.00001; TOPMed 0.00001; gnomAD 0.00002 and 0.00003.

Submissions (3):

Labcorp Genetics (formerly Invitae), Labcorp
Classification: Uncertain significance for Glycogen storage disease, type VII. Last evaluated: 2022-07-17. Review status: criteria provided, single submitter. Criteria: Invitae Variant Classification Sherloc (09022015). Collection method: clinical testing. Allele origin: germline.
Comment: This sequence change replaces arginine, which is basic and polar, with histidine, which is basic and polar, at codon 47 of the PFKM protein (p.Arg47His). This variant is present in population databases (rs748718049, gnomAD 0.006%). This variant has not been reported in the literature in individuals affected with PFKM-related conditions. ClinVar contains an entry for this variant (Variation ID: 838536). Algorithms developed to predict the effect of missense changes on protein structure and function (SIFT, PolyPhen-2, Align-GVGD) all suggest that this variant is likely to be tolerated. In summary, the available evidence is currently insufficient to determine the role of this variant in disease. Therefore, it has been classified as a Variant of Uncertain Significance.

Revvity Omics, Revvity
Classification: Uncertain significance for Glycogen storage disease, type VII. Last evaluated: 2022-02-28. Review status: criteria provided, single submitter. Criteria: ACMG Guidelines, 2015. Collection method: clinical testing. Allele origin: germline.

Natera, Inc.
Classification: Uncertain significance for Glycogen storage disease type VII. Last evaluated: 2020-01-24. Review status: no assertion criteria provided. Collection method: clinical testing. Allele origin: germline. Not counted in ClinVar's aggregate classification.